The following is an entry in ClinVar:

ClinVar aggregate classification (germline): Uncertain significance (1 of 4 stars; one submission).

gnomAD v4.1: 8 of 1,611,450 alleles (0.0005%); highest among the groups gnomAD compares: South Asian, 0.0011%; no homozygotes.

Submission:

Labcorp Genetics (formerly Invitae), Labcorp
Classification: Uncertain significance. Last evaluated: 2025-06-17. Review status: criteria provided, single submitter. Criteria: Invitae Variant Classification Sherloc (09022015). Collection method: clinical testing. Allele origin: germline.
Comment: This sequence change replaces aspartic acid, which is acidic and polar, with asparagine, which is neutral and polar, at codon 130 of the SLC39A7 protein (p.Asp130Asn). This variant is present in population databases (no rsID available, gnomAD 0.0009%). This variant has not been reported in the literature in individuals affected with SLC39A7-related conditions. An algorithm developed to predict the effect of missense changes on protein structure and function (PolyPhen-2) suggests that this variant is likely to be disruptive. In summary, the available evidence is currently insufficient to determine the role of this variant in disease. Therefore, it has been classified as a Variant of Uncertain Significance.

NM_006979.3(SLC39A7):c.388G>A (p.Asp130Asn)

Gene: SLC39A7 (solute carrier family 39 member 7; plus strand). Cytogenetic location: 6p21.32.
Variant type: single nucleotide variant.
Coding change: c.388G>A on transcript NM_006979.3 (MANE Select); coding-DNA position 388, G replaced by A.
Protein change: p.Asp130Asn; replaces aspartic acid 130 with asparagine.
Molecular consequence: missense variant. On other transcripts: intron variant (1).
Genome position (GRCh38, 1-based): chr6:33,201,633, G>A. VCF-style: chr6-33201633-G-A. GRCh37 (hg19) VCF-style: chr6-33169410-G-A.
Other names: c.388G>A, p.Asp130Asn (NM_001077516.2); c.53-128G>A (NM_001288777.2); short protein forms D130N.
Identifiers: ClinVar variation 4774643 (VCV004774643.1).
Genomic context (GRCh38, chr6:33,201,633, plus strand): 5'-CATGAGCATAGCCATGGAGGCTATGGGGAGTCTGGGGCTCCAGGCATCAAGCAGGACCTG[G>A]ATGCTGTCACTCTCTGGGCTTATGTGAGTCTCCAGGGGATGGGAGAGAGAAGGGCTGGTT-3'
Protein context (NP_008910.2, residues 120-140): SGAPGIKQDL[Asp130Asn]AVTLWAYALG